The following is an entry in ClinVar:

ClinVar aggregate classification (germline): Benign/Likely benign. Review status: criteria provided, multiple submitters, no conflicts (2 of 4 stars). 10 submissions from 10 submitters: Benign (5); Likely benign (2). 3 of the submissions do not count toward it. Last evaluated 2026-02-04.

Conditions:
Abetalipoproteinaemia (ABL). Also called: Abetalipoproteinemia; Abetalipoproteinemia neuropathy; Apolipoprotein B deficiency; Congenital betalipoprotein deficiency syndrome; MTP DEFICIENCY. Identifiers: Orphanet 14, MedGen C0000744, MONDO:0008692, OMIM 200100, HP:0008181.

Allele frequency attached by ClinVar (database versions not stated): ExAC 0.04589; 1000 Genomes Project 0.07069; 1000 Genomes Project 30x 0.07261; gnomAD 0.07361 and 0.07045; TOPMed 0.07467; ESP Exome Variant Server 0.07850; gnomAD exomes 0.04235 and 0.04364.

Submissions (10):

Labcorp Genetics (formerly Invitae), Labcorp
Classification: Benign. Last evaluated: 2026-02-04. Review status: criteria provided, single submitter. Criteria: Invitae Variant Classification Sherloc (09022015). Collection method: clinical testing. Allele origin: germline.

Mayo Clinic Laboratories, Mayo Clinic
Classification: Benign. Last evaluated: 2025-01-14. Review status: criteria provided, single submitter. Criteria: ACMG Guidelines, 2015. Collection method: clinical testing. Allele origin: germline. Observed: 148 variant alleles.
Comment: BA1, BS2, BS3_supporting, BP4_moderate

Women's Health and Genetics/Laboratory Corporation of America, LabCorp
Classification: Likely benign. Last evaluated: 2021-12-10. Review status: criteria provided, single submitter. Criteria: LabCorp Variant Classification Summary - May 2015. Collection method: clinical testing. Allele origin: germline.

GeneDx
Classification: Benign. Last evaluated: 2018-09-21. Review status: criteria provided, single submitter. Criteria: GeneDx Variant Classification Process June 2021. Collection method: clinical testing. Allele origin: germline. Affected: yes.
Comment: This variant is associated with the following publications: (PMID: 23475612, 20981092, 15910857, 27884173, 27487388, 30782561)

Illumina Laboratory Services, Illumina
Classification: Benign for Abetalipoproteinaemia. Last evaluated: 2018-03-06. Review status: criteria provided, single submitter. Criteria: ICSL Variant Classification Criteria 13 December 2019. Collection method: clinical testing. Allele origin: germline.
Comment: This variant was observed in the ICSL laboratory as part of a predisposition screen in an ostensibly healthy population. It had not been previously curated by ICSL or reported in the Human Gene Mutation Database (HGMD: prior to June 1st, 2018), and was therefore a candidate for classification through an automated scoring system. Utilizing variant allele frequency, disease prevalence and penetrance estimates, and inheritance mode, an automated score was calculated to assess if this variant is too frequent to cause the disease. Based on the score and internal cut-off values, a variant classified as benign is not then subjected to further curation. The score for this variant resulted in a classification of benign for this disease.

Eurofins Ntd Llc (ga)
Classification: Benign. Last evaluated: 2015-09-22. Review status: criteria provided, single submitter. Criteria: EGL Classification Definitions 2015. Collection method: clinical testing. Allele origin: germline. Observed: 1 variant allele, 1 heterozygote.

Breakthrough Genomics
Classification: Likely benign. Review status: criteria provided, single submitter. Criteria: ACMG Guidelines, 2015. Collection method: not provided. Allele origin: germline. Inheritance: Autosomal recessive inheritance. Affected: yes.

Natera, Inc.
Classification: Benign for Abetalipoproteinemia. Last evaluated: 2019-10-31. Review status: no assertion criteria provided. Collection method: clinical testing. Allele origin: germline. Not counted in ClinVar's aggregate classification.

Clinical Genetics, Academic Medical Center
Classification: Benign. Review status: no assertion criteria provided. Collection method: clinical testing. Allele origin: germline. Affected: yes. Study: VKGL Data-share Consensus. Not counted in ClinVar's aggregate classification.

Diagnostic Laboratory, Department of Genetics, University Medical Center Groningen
Classification: Benign for Abetalipoproteinaemia. Review status: no assertion criteria provided. Collection method: clinical testing. Allele origin: germline. Affected: yes. Study: VKGL Data-share Consensus. Not counted in ClinVar's aggregate classification.

Literature cited by the submitters: PubMed 15910857 (cited by Mayo Clinic Laboratories, Mayo Clinic); PubMed 23475612 (cited by Mayo Clinic Laboratories, Mayo Clinic); PubMed 30782561 (cited by Mayo Clinic Laboratories, Mayo Clinic).

NM_001386140.1(MTTP):c.1151A>C (p.Asp384Ala)

Gene: MTTP (microsomal triglyceride transfer protein; plus strand). Cytogenetic location: 4q23.
Variant type: single nucleotide variant.
Coding change: c.1151A>C on transcript NM_001386140.1 (MANE Select); coding-DNA position 1151, A replaced by C.
Protein change: p.Asp384Ala; replaces aspartic acid 384 with alanine.
Molecular consequence: missense variant.
Genome position (GRCh38, 1-based): chr4:99,600,648, A>C. VCF-style: chr4-99600648-A-C. GRCh37 (hg19) VCF-style: chr4-100521805-A-C.
Other names: c.1151A>C, p.Asp384Ala (NM_000253.4); c.902A>C, p.Asp301Ala (NM_001300785.2); short protein forms D384A, D301A.
Identifiers: ClinVar variation 283193 (VCV000283193.23), dbSNP rs17029215, ClinGen allele CA3022041.